The following is an entry in ClinVar:

ClinVar aggregate classification (germline): Uncertain significance (1 of 4 stars; one submission).

Conditions:
Hereditary cancer-predisposing syndrome. Also called: Tumor predisposition; Neoplastic Syndromes, Hereditary; Hereditary Cancer Syndrome; Hereditary neoplastic syndrome. Identifiers: Orphanet 140162, MedGen C0027672, MeSH D009386, MONDO:0015356.

Submission:

Ambry Genetics
Classification: Uncertain significance for Hereditary cancer-predisposing syndrome. Last evaluated: 2026-02-06. Review status: criteria provided, single submitter. Criteria: Ambry Variant Classification Scheme 2023. Collection method: clinical testing. Allele origin: germline.
Comment: The c.1066-3C>G intronic variant results from a C to G substitution 3 nucleotides upstream from coding exon 8 in the ATM gene. This nucleotide position is not well conserved in available vertebrate species. In silico splice site analysis predicts that this alteration will weaken the native splice acceptor site. Based on the available evidence, the clinical significance of this variant remains unclear.

NM_000051.4(ATM):c.1066-3C>G

Gene: ATM (ATM serine/threonine kinase; plus strand). Cytogenetic location: 11q22.3.
Variant type: single nucleotide variant.
Coding change: c.1066-3C>G on transcript NM_000051.4 (MANE Select); 3 bases into the intron before coding-DNA position 1066, C replaced by G.
Molecular consequence: intron variant.
Genome position (GRCh38, 1-based): chr11:108,248,930, C>G. VCF-style: chr11-108248930-C-G. GRCh37 (hg19) VCF-style: chr11-108119657-C-G.
Other names: c.1066-3C>G (NM_001351834.2).
Identifiers: ClinVar variation 818325 (VCV000818325.5), dbSNP rs1565378708, ClinGen allele CA915947732.